The following is an entry in ClinVar:

ClinVar aggregate classification (germline): Uncertain significance. Review status: criteria provided, multiple submitters, no conflicts (2 of 4 stars). 2 submissions from 2 submitters: Uncertain significance (2). Last evaluated 2025-07-09.

Conditions:
Cardiovascular phenotype. Identifiers: MedGen CN230736.
Brugada syndrome. Also called: Sudden unexpected nocturnal death syndrome; Sudden unexplained nocturnal death syndrome; Sudden Unexplained Death Syndrome; Sudden Unexplained Nocturnal Death Syndrome (SUNDS). Identifiers: Orphanet 130, MedGen C1142166, MONDO:0015263.

Allele frequency attached by ClinVar (database versions not stated): ExAC 0.00001; gnomAD 0.00001; TOPMed 0.00002; ESP Exome Variant Server 0.00015.
gnomAD v4.1: 10 of 1,607,900 alleles (0.00062%); highest among the groups gnomAD compares: Non-Finnish European, 0.00085%; no homozygotes.

Submissions (2):

Ambry Genetics
Classification: Uncertain significance for Cardiovascular phenotype. Last evaluated: 2025-07-09. Review status: criteria provided, single submitter. Criteria: Ambry Variant Classification Scheme 2023. Collection method: clinical testing. Allele origin: germline.
Comment: The p.V492L variant (also known as c.1474G>C), located in coding exon 17 of the CACNA2D1 gene, results from a G to C substitution at nucleotide position 1474. The valine at codon 492 is replaced by leucine, an amino acid with highly similar properties. This amino acid position is conserved. In addition, this alteration is predicted to be tolerated by in silico analysis. Since supporting evidence is limited at this time, the clinical significance of this alteration remains unclear.

Labcorp Genetics (formerly Invitae), Labcorp
Classification: Uncertain significance for Brugada syndrome. Last evaluated: 2023-07-25. Review status: criteria provided, single submitter. Criteria: Invitae Variant Classification Sherloc (09022015). Collection method: clinical testing. Allele origin: germline.
Comment: This variant has not been reported in the literature in individuals affected with CACNA2D1-related conditions. In summary, the available evidence is currently insufficient to determine the role of this variant in disease. Therefore, it has been classified as a Variant of Uncertain Significance. Experimental studies and prediction algorithms are not available or were not evaluated, and the functional significance of this variant is currently unknown. ClinVar contains an entry for this variant (Variation ID: 1773444). This variant is not present in population databases (gnomAD no frequency). This sequence change replaces valine, which is neutral and non-polar, with leucine, which is neutral and non-polar, at codon 492 of the CACNA2D1 protein (p.Val492Leu).

NM_000722.4(CACNA2D1):c.1474G>C (p.Val492Leu)

Gene: CACNA2D1 (calcium voltage-gated channel auxiliary subunit alpha2delta 1; minus strand). Cytogenetic location: 7q21.11.
Variant type: single nucleotide variant.
Coding change: c.1474G>C on transcript NM_000722.4 (MANE Select); coding-DNA position 1474, G replaced by C.
Protein change: p.Val492Leu; replaces valine 492 with leucine.
Molecular consequence: missense variant.
Genome position (GRCh38, 1-based): chr7:82,005,806, C>G on the plus strand (G>C on the coding strand, the complement: CACNA2D1 is on the minus strand). VCF-style: chr7-82005806-C-G. GRCh37 (hg19) VCF-style: chr7-81635122-C-G.
Other names: c.1474G>C, p.Val492Leu (NM_001366867.1); short protein forms V492L.
Identifiers: ClinVar variation 1773444 (VCV001773444.6), dbSNP rs147360048, ClinGen allele CA4318034.
Genomic context (GRCh38, chr7:82,005,806, plus strand): 5'-AGAGCAAATTTCATCTTACTGTAAAACGTGGTGTCAGTCTTTTAATATCTTCCAAAGACA[C>G]ATCTACTCCCATCACACCAAGAATCAGCTGGTTCTATAATAAGAGGGCAAAAAATGGCAT-3'
Protein context (NP_000713.2, residues 482-502): QLILGVMGVD[Val492Leu]SLEDIKRLTP